The following is an entry in ClinVar:

NM_005554.4(KRT6A):c.844G>T (p.Val282Phe)

Gene: KRT6A (keratin 6A; minus strand). Cytogenetic location: 12q13.13.
Variant type: single nucleotide variant.
Coding change: c.844G>T on transcript NM_005554.4 (MANE Select); coding-DNA position 844, G replaced by T.
Protein change: p.Val282Phe; replaces valine 282 with phenylalanine.
Molecular consequence: missense variant.
Genome position (GRCh38, 1-based): chr12:52,490,926, C>A on the plus strand (G>T on the coding strand, the complement: KRT6A is on the minus strand). VCF-style: chr12-52490926-C-A. GRCh37 (hg19) VCF-style: chr12-52884710-C-A.
Other names: c.844G>T (NM_005554.3); short protein forms V282F.
Identifiers: ClinVar variation 3636419 (VCV003636419.3).

ClinVar aggregate classification (germline): Uncertain significance. Review status: criteria provided, multiple submitters, no conflicts (2 of 4 stars). 2 submissions from 2 submitters: Uncertain significance (2). Last evaluated 2025-08-23.

Conditions:
Inborn genetic diseases. Identifiers: MedGen C0950123, MeSH D030342.

gnomAD v4.1: 7 of 1,613,844 alleles (0.00043%); highest among the groups gnomAD compares: Admixed American, 0.005%; no homozygotes.

Submissions (2):

Ambry Genetics
Classification: Uncertain significance for Inborn genetic diseases. Last evaluated: 2025-08-23. Review status: criteria provided, single submitter. Criteria: Ambry Variant Classification Scheme 2023. Collection method: clinical testing. Allele origin: germline.

Labcorp Genetics (formerly Invitae), Labcorp
Classification: Uncertain significance. Last evaluated: 2024-10-08. Review status: criteria provided, single submitter. Criteria: Invitae Variant Classification Sherloc (09022015). Collection method: clinical testing. Allele origin: germline.
Comment: This sequence change replaces valine, which is neutral and non-polar, with phenylalanine, which is neutral and non-polar, at codon 282 of the KRT6A protein (p.Val282Phe). This variant is present in population databases (rs748856563, gnomAD 0.003%). This variant has not been reported in the literature in individuals affected with KRT6A-related conditions. Invitae Evidence Modeling of protein sequence and biophysical properties (such as structural, functional, and spatial information, amino acid conservation, physicochemical variation, residue mobility, and thermodynamic stability) has been performed for this missense variant. However, the output from this modeling did not meet the statistical confidence thresholds required to predict the impact of this variant on KRT6A protein function. In summary, the available evidence is currently insufficient to determine the role of this variant in disease. Therefore, it has been classified as a Variant of Uncertain Significance.